The following is an entry in ClinVar:

ClinVar aggregate classification (germline): Uncertain significance (1 of 4 stars; one submission).

Allele frequency attached by ClinVar (database versions not stated): gnomAD exomes below 0.00001.
gnomAD v4.1: 2 of 1,613,962 alleles (0.00012%); highest among the groups gnomAD compares: Non-Finnish European, 0.00017%; no homozygotes.

Submission:

Labcorp Genetics (formerly Invitae), Labcorp
Classification: Uncertain significance. Last evaluated: 2024-11-11. Review status: criteria provided, single submitter. Criteria: Invitae Variant Classification Sherloc (09022015). Collection method: clinical testing. Allele origin: germline.
Comment: This sequence change replaces methionine, which is neutral and non-polar, with isoleucine, which is neutral and non-polar, at codon 287 of the SULF1 protein (p.Met287Ile). This variant is present in population databases (no rsID available, gnomAD 0.0009%). This variant has not been reported in the literature in individuals affected with SULF1-related conditions. ClinVar contains an entry for this variant (Variation ID: 1929617). An algorithm developed to predict the effect of missense changes on protein structure and function (PolyPhen-2) suggests that this variant is likely to be tolerated. In summary, the available evidence is currently insufficient to determine the role of this variant in disease. Therefore, it has been classified as a Variant of Uncertain Significance.

NM_001128205.2(SULF1):c.861G>A (p.Met287Ile)

Gene: SULF1 (sulfatase 1; plus strand). Cytogenetic location: 8q13.3.
Variant type: single nucleotide variant.
Coding change: c.861G>A on transcript NM_001128205.2 (MANE Select); coding-DNA position 861, G replaced by A.
Protein change: p.Met287Ile; replaces methionine 287 with isoleucine.
Molecular consequence: missense variant. On other transcripts: non-coding transcript variant (3).
Genome position (GRCh38, 1-based): chr8:69,600,729, G>A. VCF-style: chr8-69600729-G-A. GRCh37 (hg19) VCF-style: chr8-70512964-G-A.
Other names: c.861G>A, p.Met287Ile (NM_001128204.2, NM_001128206.2, NM_001412828.1 and 19 more transcripts); c.675G>A, p.Met225Ile (NM_001412841.1, NM_001412842.1); c.261G>A, p.Met87Ile (NM_001412844.1, NM_001412845.1); c.-915G>A (NM_001412846.1); short protein forms M87I, M287I, M225I.
Identifiers: ClinVar variation 1929617 (VCV001929617.5), dbSNP rs1391580571, ClinGen allele CA371226125.